The following is an entry in ClinVar:

NM_018294.6(CWF19L1):c.850-2A>G

Gene: CWF19L1 (CWF19 like cell cycle control factor 1; minus strand). Cytogenetic location: 10q24.31.
Variant type: single nucleotide variant.
Coding change: c.850-2A>G on transcript NM_018294.6 (MANE Select); the canonical splice acceptor site of the intron before coding-DNA position 850, A replaced by G.
Molecular consequence: splice acceptor variant.
Genome position (GRCh38, 1-based): chr10:100,245,915, T>C on the plus strand (A>G on the coding strand, the complement: CWF19L1 is on the minus strand). VCF-style: chr10-100245915-T-C. GRCh37 (hg19) VCF-style: chr10-102005672-T-C.
Other names: c.439-2A>G (NM_001303406.2, NM_001303405.2); c.115-2A>G (NM_001303407.2); c.850-2A>G (NM_001303404.2).
Identifiers: ClinVar variation 379851 (VCV000379851.2), dbSNP rs1057520757, ClinGen allele CA16605591.
Genomic context (GRCh38, chr10:100,245,915, plus strand): 5'-GAACGCTTCCTTCCCTGCTTTTCATTTAAATCAAAGAAAAACTGACAGGCTGATTCTTCC[T>C]GGAATGGCCAAAAGCAGAAGATTAAATGTTATTCAACTAACCTTTAGATAAGTAGCCGAC-3'

ClinVar aggregate classification (germline): Pathogenic (1 of 4 stars; one submission).

Allele frequency attached by ClinVar (database versions not stated): TOPMed 0.00001.

Submission:

GeneDx
Classification: Pathogenic. Last evaluated: 2015-06-16. Review status: criteria provided, single submitter. Criteria: GeneDx Variant Classification (06012015). Collection method: clinical testing. Allele origin: germline. Affected: yes.
Comment: The c.850-2A>G variant in the CWF19L1 gene has not been reported previously as a pathogenic variant nor as a benign polymorphism, to our knowledge. This splice site variant destroys the canonicalsplice acceptor site in intron 8. It is predicted to cause abnormal gene splicing, either leading to anabnormal message that is subject to nonsense-mediated mRNA decay, or to an abnormal protein product ifthe message is used for protein translation. The c.850-2A>G variant was not observed in approximately6,500 individuals of European and African American ancestry in the NHLBI Exome Sequencing Project,indicating it is not a common benign variant in these populations. We interpret c.850-2A>G as a pathogenic variant.